The following is an entry in ClinVar:

ClinVar aggregate classification (germline): Pathogenic (1 of 4 stars; one submission).

Conditions:
Cystic fibrosis (CF). Also called: MUCOVISCIDOSIS. Identifiers: Orphanet 586, MedGen C0010674, MONDO:0009061, OMIM 219700. Disease mechanism: loss of function.

Submission:

Institute of Human Genetics, University of Leipzig Medical Center
Classification: Pathogenic for Cystic fibrosis. Last evaluated: 2025-09-16. Review status: criteria provided, single submitter. Criteria: ACMG Guidelines, 2015. Collection method: clinical testing. Allele origin: unknown. Inheritance: Autosomal recessive inheritance. Affected: yes.
Comment: Criteria applied: PVS1,PM2,PP4

NM_000492.4(CFTR):c.2908+1211T>G

Genes: CFTR (CF transmembrane conductance regulator; plus strand), CFTR-AS2 (CFTR antisense RNA 2; minus strand). Cytogenetic location: 7q31.2.
Variant type: single nucleotide variant.
Coding change: c.2908+1211T>G on transcript NM_000492.4 (MANE Select); 1211 bases into the intron after coding-DNA position 2908, T replaced by G.
Molecular consequence: intron variant.
Genome position (GRCh38, 1-based): chr7:117,604,993, T>G. VCF-style: chr7-117604993-T-G. GRCh37 (hg19) VCF-style: chr7-117245047-T-G.
Identifiers: ClinVar variation 3572906 (VCV003572906.3).
Genomic context (GRCh38, chr7:117,604,993, plus strand): 5'-GCGCTATAAGAGCAGTGATCATGGGCAAGTGACTCTTCTGAGCCTTGGCCTCCTCACCTG[T>G]TAAGTGAAGAAAAGAATATTTCAGAAGATCTTTGTGAGAATGAAACAAGGCAATTTACTT-3'